The following is an entry in ClinVar:

NM_177433.3(MAGED2):c.338del (p.Pro113fs)

Gene: MAGED2 (MAGE family member D2; plus strand). Cytogenetic location: Xp11.21.
Variant type: Deletion.
Coding change: c.338del on transcript NM_177433.3 (MANE Select); coding-DNA position 338, one base deleted (C; older notation c.338delC).
Protein change: p.Pro113fs; shifts the reading frame from proline 113.
Molecular consequence: frameshift variant.
Genome position (GRCh38, 1-based): chrX:54,810,014, C deleted; the last of 3 consecutive C bases (chrX:54,810,012-54,810,014); deleting any one gives the same sequence. VCF-style (leftmost placement, unchanged base first): chrX-54810011-AC-A. GRCh37 (hg19) VCF-style: chrX-54836444-AC-A.
Other names: c.338del, p.Pro113fs (NM_014599.6, NM_201222.3); short protein forms P113fs.
Identifiers: ClinVar variation 4888402 (VCV004888402.1).

ClinVar aggregate classification (germline): Likely pathogenic (1 of 4 stars; one submission).

Conditions:
Bartter disease type 5. Also called: Bartter syndrome, type 5, antenatal, transient. Identifiers: Orphanet 112, Orphanet 570371, MedGen C4310820, MONDO:0010503, OMIM 300971.

Submission:

New York Genome Center
Classification: Likely pathogenic for Bartter disease type 5. Last evaluated: 2024-07-25. Review status: criteria provided, single submitter. Criteria: NYGC Assertion Criteria 2020. Collection method: clinical testing. Allele origin: inherited. Affected: yes. Observed: 1 variant allele, 1 hemizygote.
Comment: The hemizygous c.338del variant is located in exon 3 of this 13-exon gene, predicted to alter the wild-type translational reading frame, and is expected to result in loss-of-function via nonsense-mediated decay (p.(Pro113ArgfsTer4)). The c.338del variant has not been reported in the literature or public variant repositories (ClinVarand LOVD) and is absent in population databases (gnomAD v4.0.0 and All of US), suggesting it is not a common benign variant in the populations represented in that database. Multiple loss-of-function variants downstream to the c.338del variant have been reported in individuals with Bartter syndrome, type 5, antenatal, transient[PMID: 27120771]. Based on available evidence this inherited hemizygous c.338del p.(Pro113ArgfsTer4) variant identified in MAGED2 is classified as Likely Pathogenic.